The following is an entry in ClinVar:

NM_001111.5(ADAR):c.2804C>T (p.Ala935Val)

Gene: ADAR (adenosine deaminase RNA specific; minus strand). Cytogenetic location: 1q21.3.
Variant type: single nucleotide variant.
Coding change: c.2804C>T on transcript NM_001111.5 (MANE Select); coding-DNA position 2804, C replaced by T.
Protein change: p.Ala935Val; replaces alanine 935 with valine.
Molecular consequence: missense variant.
Genome position (GRCh38, 1-based): chr1:154,588,632, G>A on the plus strand (C>T on the coding strand, the complement: ADAR is on the minus strand). VCF-style: chr1-154588632-G-A. GRCh37 (hg19) VCF-style: chr1-154561108-G-A.
Other names: c.1919C>T, p.Ala640Val (NM_001025107.3, NM_001193495.2, NM_001365046.1 and 2 more transcripts); c.2831C>T, p.Ala944Val (NM_001365045.1); c.1841C>T, p.Ala614Val (NM_001365049.1); c.2726C>T, p.Ala909Val (NM_015840.4); c.2669C>T, p.Ala890Val (NM_015841.4); short protein forms A890V, A909V, A944V, A614V, A640V, A935V.
Identifiers: ClinVar variation 845309 (VCV000845309.7), dbSNP rs767879893, ClinGen allele CA1131141.
Genomic context (GRCh38, chr1:154,588,632, plus strand): 5'-ACAGTCTTTTTTATTTGGAGCTTTTCTCCTCCCTTAGCAGGTTCAAATATACTATCCTTC[G>A]CAGTCTGGGAGTTGTATTTCATTAACTCACTGTAGAGAAACCTACAAAAAGAAAGTCTGG-3'
Protein context (NP_001102.3, residues 925-945): SELMKYNSQT[Ala935Val]KDSIFEPAKG

ClinVar aggregate classification (germline): Uncertain significance (1 of 4 stars; one submission).

Conditions:
Symmetrical dyschromatosis of extremities (DSH). Also called: DYSCHROMATOSIS SYMMETRICA HEREDITARIA 1; Dyschromatosis symmetrica hereditaria; RETICULATE ACROPIGMENTATION OF DOHI; SYMMETRIC DYSCHROMATOSIS OF THE EXTREMITIES. Identifiers: Orphanet 41, MedGen C0406775, MONDO:0007483, OMIM 127400.
Aicardi-Goutieres syndrome 6 (AGS6). Identifiers: Orphanet 51, MedGen C3539013, MONDO:0014007, OMIM 615010.

Allele frequency attached by ClinVar (database versions not stated): gnomAD 0.00001; gnomAD exomes 0.00001; ExAC 0.00001; TOPMed 0.00002.
gnomAD v4.1: 20 of 1,613,924 alleles (0.0012%); highest among the groups gnomAD compares: Middle Eastern, 0.016%; no homozygotes.

Submission:

Labcorp Genetics (formerly Invitae), Labcorp
Classification: Uncertain significance for Aicardi-Goutieres syndrome 6; Symmetrical dyschromatosis of extremities. Last evaluated: 2025-12-17. Review status: criteria provided, single submitter. Criteria: Invitae Variant Classification Sherloc (09022015). Collection method: clinical testing. Allele origin: germline.
Comment: This sequence change replaces alanine, which is neutral and non-polar, with valine, which is neutral and non-polar, at codon 935 of the ADAR protein (p.Ala935Val). This variant is present in population databases (rs767879893, gnomAD 0.003%). This variant has not been reported in the literature in individuals affected with ADAR-related conditions. ClinVar contains an entry for this variant (Variation ID: 845309). Invitae Evidence Modeling of protein sequence and biophysical properties (such as structural, functional, and spatial information, amino acid conservation, physicochemical variation, residue mobility, and thermodynamic stability) indicates that this missense variant is not expected to disrupt ADAR protein function with a negative predictive value of 80%. In summary, the available evidence is currently insufficient to determine the role of this variant in disease. Therefore, it has been classified as a Variant of Uncertain Significance.